The following is an entry in ClinVar:

NM_025114.4(CEP290):c.2794dup (p.Ile932fs)

Gene: CEP290 (centrosomal protein 290; minus strand). Cytogenetic location: 12q21.32.
Variant type: Duplication.
Coding change: c.2794dup on transcript NM_025114.4 (MANE Select); coding-DNA position 2794, one base duplicated (A; older notation c.2794dupA).
Protein change: p.Ile932fs; shifts the reading frame from isoleucine 932.
Molecular consequence: frameshift variant.
Genome position (GRCh38, 1-based): chr12:88,106,698, T duplicated on the plus strand (A on the coding strand, the reverse complement: CEP290 is on the minus strand); the first of 6 consecutive T bases (chr12:88,106,698-88,106,703); duplicating any one gives the same sequence. VCF-style (leftmost placement, unchanged base first): chr12-88106697-A-AT. GRCh37 (hg19) VCF-style: chr12-88500474-A-AT.
Other names: c.2794dup (NM_025114.3); short protein forms I932fs.
Identifiers: ClinVar variation 2680653 (VCV002680653.5), dbSNP rs2500613493, ClinGen allele CA2620110191.
Genomic context (GRCh38, chr12:88,106,697, plus strand): 5'-TTCATAGTCAGAAAAAGCAAAATAAGAATCAGATGTACCTTAAATCTTTGCAAACACCCA[A>AT]TTTTTTCACAAACTTCAGCCTCCATTGACAACAATTCATTCTTTTGCTTCTCATTTTCTT-3'

ClinVar aggregate classification (germline): Pathogenic/Likely pathogenic. Review status: criteria provided, multiple submitters, no conflicts (2 of 4 stars). 3 submissions from 3 submitters: Pathogenic (1); Likely pathogenic (2). Last evaluated 2025-04-03.

Conditions:
Bardet-Biedl syndrome 14 (BBS14). Identifiers: Orphanet 110, MedGen C2673874, MONDO:0014442, OMIM 615991.
Joubert syndrome. Also called: CEREBELLOPARENCHYMAL DISORDER IV; JOUBERT-BOLTSHAUSER SYNDROME; Familial aplasia of the vermis. Identifiers: Orphanet 475, MedGen C5979921, MONDO:0018772.
Nephronophthisis. Also called: Juvenile Nephronophthisis. Identifiers: Orphanet 655, MedGen C0687120, MONDO:0019005, HP:0000090.
Meckel-Gruber syndrome. Also called: DYSENCEPHALIA SPLANCHNOCYSTICA; GRUBER SYNDROME; Dysencephalia splachnocystica. Identifiers: Orphanet 564, MedGen C0265215, MONDO:0018921.
Leber congenital amaurosis (LCA). Also called: Leber's amaurosis. Identifiers: Orphanet 65, MedGen C0339527, MeSH D057130, MONDO:0018998.

Submissions (3):

Natera, Inc.
Classification: Likely pathogenic for Leber congenital amaurosis. Last evaluated: 2025-04-03. Review status: criteria provided, single submitter. Criteria: Natera Variant Classification Schema (03/2026). Collection method: clinical testing. Allele origin: germline.
Comment: The c.2794dup variant in CEP290 is a frameshift variant predicted to shift the reading frame beginning at codon 932 and leads to a stop codon 8 codons downstream. This variant is expected to result in nonsense mediated decay, truncation, or a dysfunctional protein product. This variant is rare in the general population with a frequency below the threshold expected for the associated phenotype(s). Given the available evidence, this variant is classified as Likely Pathogenic.

Labcorp Genetics (formerly Invitae), Labcorp
Classification: Pathogenic for Joubert syndrome; Meckel-Gruber syndrome; Nephronophthisis. Last evaluated: 2024-02-11. Review status: criteria provided, single submitter. Criteria: Invitae Variant Classification Sherloc (09022015). Collection method: clinical testing. Allele origin: germline.
Comment: This sequence change creates a premature translational stop signal (p.Ile932Asnfs*8) in the CEP290 gene. It is expected to result in an absent or disrupted protein product. Loss-of-function variants in CEP290 are known to be pathogenic (PMID: 16909394, 17345604, 20690115). This variant is not present in population databases (gnomAD no frequency). This variant has not been reported in the literature in individuals affected with CEP290-related conditions. For these reasons, this variant has been classified as Pathogenic.

Baylor Genetics
Classification: Likely pathogenic for Bardet-Biedl syndrome 14. Last evaluated: 2023-12-14. Review status: criteria provided, single submitter. Criteria: ACMG Guidelines, 2015. Collection method: clinical testing. Allele origin: unknown.

Literature cited by the submitters: PubMed 16909394 (cited by Labcorp Genetics (formerly Invitae), Labcorp); PubMed 17345604 (cited by Labcorp Genetics (formerly Invitae), Labcorp); PubMed 20690115 (cited by Labcorp Genetics (formerly Invitae), Labcorp).